The following is an entry in ClinVar:

ClinVar aggregate classification (germline): Uncertain significance. Review status: criteria provided, multiple submitters, no conflicts (2 of 4 stars). 2 submissions from 2 submitters: Uncertain significance (2). Last evaluated 2025-03-31.

Conditions:
Hereditary cancer-predisposing syndrome. Also called: Neoplastic Syndromes, Hereditary; Tumor predisposition; Hereditary Cancer Syndrome; Hereditary neoplastic syndrome. Identifiers: Orphanet 140162, MedGen C0027672, MeSH D009386, MONDO:0015356.

Submissions (2):

Ambry Genetics
Classification: Uncertain significance for Hereditary cancer-predisposing syndrome. Last evaluated: 2025-03-31. Review status: criteria provided, single submitter. Criteria: Ambry Variant Classification Scheme 2023. Collection method: clinical testing. Allele origin: germline.

Labcorp Genetics (formerly Invitae), Labcorp
Classification: Uncertain significance for Hereditary cancer-predisposing syndrome. Last evaluated: 2023-08-11. Review status: criteria provided, single submitter. Criteria: Invitae Variant Classification Sherloc (09022015). Collection method: clinical testing. Allele origin: germline.
Comment: In summary, the available evidence is currently insufficient to determine the role of this variant in disease. Therefore, it has been classified as a Variant of Uncertain Significance. Advanced modeling of protein sequence and biophysical properties (such as structural, functional, and spatial information, amino acid conservation, physicochemical variation, residue mobility, and thermodynamic stability) performed at Invitae indicates that this missense variant is expected to disrupt RAD50 protein function. ClinVar contains an entry for this variant (Variation ID: 1730648). This variant has not been reported in the literature in individuals affected with RAD50-related conditions. This variant is not present in population databases (gnomAD no frequency). This sequence change replaces aspartic acid, which is acidic and polar, with tyrosine, which is neutral and polar, at codon 1122 of the RAD50 protein (p.Asp1122Tyr).

NM_005732.4(RAD50):c.3364G>T (p.Asp1122Tyr)

Gene: RAD50 (RAD50 double strand break repair protein; plus strand). Cytogenetic location: 5q31.1.
Variant type: single nucleotide variant.
Coding change: c.3364G>T on transcript NM_005732.4 (MANE Select); coding-DNA position 3364, G replaced by T.
Protein change: p.Asp1122Tyr; replaces aspartic acid 1122 with tyrosine.
Molecular consequence: missense variant.
Genome position (GRCh38, 1-based): chr5:132,618,269, G>T. VCF-style: chr5-132618269-G-T. GRCh37 (hg19) VCF-style: chr5-131953961-G-T.
Other names: short protein forms D1122Y.
Identifiers: ClinVar variation 1730648 (VCV001730648.6), dbSNP rs1751214369, ClinGen allele CA360964993.